The following is an entry in ClinVar:

NM_000292.3(PHKA2):c.2416CTT[1] (p.Leu807del)

Gene: PHKA2 (phosphorylase kinase regulatory subunit alpha 2; minus strand). Cytogenetic location: Xp22.13.
Variant type: Microsatellite.
Coding change: c.2416CTT[1] on transcript NM_000292.3 (MANE Select); one copy of the 3-base unit CTT starting at c.2416; the reference has two copies in a row; one copy, 3 bases deleted.
Protein change: p.Leu807del; deletes leucine 807.
Molecular consequence: inframe deletion.
Genome position (GRCh38, 1-based): chrX:18,907,996-18,907,998, AAG deleted on the plus strand (CTT on the coding strand, the reverse complement: PHKA2 is on the minus strand); deleting any 3 consecutive bases within chrX:18,907,996-18,908,001 gives the same sequence; the position shown is the placement nearest the transcript's 3' end. VCF-style (leftmost placement, unchanged base first): chrX-18907995-CAAG-C. GRCh37 (hg19) VCF-style: chrX-18926113-CAAG-C.
Other names: c.2419_2421delCTT (NM_000292.2); short protein forms L807del.
Identifiers: ClinVar variation 2660113 (VCV002660113.24), dbSNP rs1195472574, ClinGen allele CA640516910.

ClinVar aggregate classification (germline): Uncertain significance. Review status: criteria provided, multiple submitters, no conflicts (2 of 4 stars). 2 submissions from 2 submitters: Uncertain significance (2). Last evaluated 2025-06-13.

Conditions:
Inborn genetic diseases. Identifiers: MedGen C0950123, MeSH D030342.

Submissions (2):

Ambry Genetics
Classification: Uncertain significance for Inborn genetic diseases. Last evaluated: 2025-06-13. Review status: criteria provided, single submitter. Criteria: Ambry Variant Classification Scheme 2023. Collection method: clinical testing. Allele origin: germline.
Comment: The c.2419_2421delCTT (p.L807del) alteration is located in exon 22 (coding exon 22) of the PHKA2 gene. This alteration consists of an in-frame deletion of 3 nucleotides between nucleotide positions c.2419 and c.2421, resulting in the deletion of 1 residue. Based on insufficient or conflicting evidence, the clinical significance of this alteration remains unclear.

CeGaT Center for Human Genetics Tuebingen
Classification: Uncertain significance. Last evaluated: 2023-11-01. Review status: criteria provided, single submitter. Criteria: CeGaT Center For Human Genetics Tuebingen Variant Classification Criteria Version 2. Collection method: clinical testing. Allele origin: germline. Affected: yes. Observed: 2 variant alleles.
Comment: PHKA2: PM4:Supporting